The following is an entry in ClinVar:

ClinVar aggregate classification (germline): Uncertain significance (1 of 4 stars; one submission).

Submission:

Labcorp Genetics (formerly Invitae), Labcorp
Classification: Uncertain significance. Last evaluated: 2024-07-03. Review status: criteria provided, single submitter. Criteria: Invitae Variant Classification Sherloc (09022015). Collection method: clinical testing. Allele origin: germline.
Comment: This sequence change falls in intron 5 of the POMP gene. It does not directly change the encoded amino acid sequence of the POMP protein. This variant is not present in population databases (gnomAD no frequency). This variant has not been reported in the literature in individuals affected with POMP-related conditions. ClinVar contains an entry for this variant (Variation ID: 2128088). Experimental studies and prediction algorithms are not available or were not evaluated, and the effect of this variant on mRNA splicing is currently unknown. In summary, the available evidence is currently insufficient to determine the role of this variant in disease. Therefore, it has been classified as a Variant of Uncertain Significance.

NM_015932.6(POMP):c.358+24_358+25insTTTTTTTTTTTTTTTTTTTTNNNNNNNNNNCCTCGTGATCCGCCCGCCTCGGCCTCCCAAAGTGCTGGGATTACAGGCGTGAGCCACCGCGCCCGGCCCATTCAGCACCTTTTT

Gene: POMP (proteasome maturation protein; plus strand). Cytogenetic location: 13q12.3.
Variant type: Insertion.
Coding change: c.358+24_358+25insTTTTTTTTTTTTTTTTTTTTNNNNNNNNNNCCTCGTGATCCGCCCGCCTCGGCCTCCCAAAGTGCTGGGATTACAGGCGTGAGCCACCGCGCCCGGCCCATTCAGCACCTTTTT on transcript NM_015932.6 (MANE Select); bases 24 to 25 of the intron after coding-DNA position 358, TTTTTTTTTTTTTTTTTTTTNNNNNNNNNNCCTCGTGATCCGCCCGCCTCGGCCTCCCAAAGTGCTGGGATTACAGGCGTGAGCCACCGCGCCCGGCCCATTCAGCACCTTTTT inserted.
Molecular consequence: intron variant.
Genome position: GRCh38: chr13:28,672,456-28,672,457. GRCh37 (hg19): chr13:29,246,593-29,246,594.
Identifiers: ClinVar variation 2128088 (VCV002128088.4), dbSNP rs2541640707.